The following is an entry in ClinVar:

ClinVar aggregate classification (germline): Benign/Likely benign. Review status: criteria provided, multiple submitters, no conflicts (2 of 4 stars). 13 submissions from 11 submitters: Benign (12); Likely benign (1). Last evaluated 2026-02-03.

Conditions:
RYR1-related disorder. Also called: RYR1-related disorders; RYR1-related condition. Identifiers: MedGen CN239331.
King Denborough syndrome (KDS). Identifiers: MedGen C1840365, MONDO:0020485, OMIM 619542.
Central core myopathy (CMYO1A). Also called: CONGENITAL MYOPATHY 1A, AUTOSOMAL DOMINANT, WITH SUSCEPTIBILITY TO MALIGNANT HYPERTHERMIA; Central core disease; Myopathy, central fibrillar. Identifiers: Orphanet 597, MedGen C5830701, MONDO:0007294, OMIM 117000.
Malignant hyperthermia, susceptibility to, 1 (MHS1). Also called: Anesthesia related hyperthermia; Malignant hyperpyrexia; Fulminating hyperpyrexia; Pharmacogenic myopathy; RYR1-Related Malignant Hyperthermia Susceptibility; Malignant hyperthermia suceptibility 1. Identifiers: Orphanet 423, MedGen C2930980, MONDO:0007783, OMIM 145600.
Congenital multicore myopathy with external ophthalmoplegia (CMYO1B). Also called: Minicore myopathy with external ophthalmoplegia; MULTIMINICORE DISEASE WITH EXTERNAL OPHTHALMOPLEGIA; MULTICORE MYOPATHY; Congenital myopathy 1B, autosomal recessive; Minicore myopathy. Identifiers: Orphanet 598, Orphanet 98905, MedGen C1850674, MONDO:0009712, OMIM 255320, HP:0003789.
Congenital myopathy with fiber type disproportion. Also called: Congenital fiber-type disproportion; Congenital fiber-type disproportion myopathy. Identifiers: Orphanet 2020, MedGen C0546264, MONDO:0009711. Inheritance: all.

Allele frequency attached by ClinVar (database versions not stated): ExAC 0.00825; gnomAD 0.02394; 1000 Genomes Project 0.02596; TOPMed 0.02658; 1000 Genomes Project 30x 0.02764; ESP Exome Variant Server 0.02922.
gnomAD v4.1: 8,328 of 1,614,150 alleles (0.52%); highest among the groups gnomAD compares: African/African-American, 8.4%; 256 homozygotes.

Submissions (13):

Labcorp Genetics (formerly Invitae), Labcorp
Classification: Benign for RYR1-related disorder. Last evaluated: 2026-02-03. Review status: criteria provided, single submitter. Criteria: Invitae Variant Classification Sherloc (09022015). Collection method: clinical testing. Allele origin: germline.

ARUP Laboratories, Molecular Genetics and Genomics, ARUP Laboratories
Classification: Benign. Last evaluated: 2023-11-03. Review status: criteria provided, single submitter. Criteria: ARUP Molecular Germline Variant Investigation Process 2024. Collection method: clinical testing. Allele origin: germline.

Mayo Clinic Laboratories, Mayo Clinic
Classification: Benign. Last evaluated: 2022-03-22. Review status: criteria provided, single submitter. Criteria: ACMG Guidelines, 2015. Collection method: clinical testing. Allele origin: germline. Observed: 16 variant alleles.

Fulgent Genetics
Classification: Benign for Central core myopathy; Malignant hyperthermia, susceptibility to, 1; Congenital myopathy 4A, autosomal dominant; Congenital multicore myopathy with external ophthalmoplegia; King Denborough syndrome. Last evaluated: 2021-08-20. Review status: criteria provided, single submitter. Criteria: ACMG Guidelines, 2015. Collection method: clinical testing. Allele origin: unknown.

Athena Diagnostics
Classification: Benign. Last evaluated: 2019-11-04. Review status: criteria provided, single submitter. Criteria: Athena Diagnostics Criteria. Collection method: clinical testing. Allele origin: unknown.

PreventionGenetics, part of Exact Sciences
Classification: Benign. Last evaluated: 2018-03-26. Review status: criteria provided, single submitter. Criteria: ACMG Guidelines, 2015. Collection method: clinical testing. Allele origin: germline.

Color Diagnostics, LLC DBA Color Health
Classification: Benign for Malignant hyperthermia, susceptibility to, 1. Last evaluated: 2018-03-05. Review status: criteria provided, single submitter. Criteria: ACMG Guidelines, 2015. Collection method: clinical testing. Allele origin: germline.

Illumina Laboratory Services, Illumina
Classification: Benign for Congenital multicore myopathy with external ophthalmoplegia. Last evaluated: 2018-01-12. Review status: criteria provided, single submitter. Criteria: ICSL Variant Classification Criteria 13 December 2019. Collection method: clinical testing. Allele origin: germline.
Comment: This variant was observed in the ICSL laboratory as part of a predisposition screen in an ostensibly healthy population. It had not been previously curated by ICSL or reported in the Human Gene Mutation Database (HGMD: prior to June 1st, 2018), and was therefore a candidate for classification through an automated scoring system. Utilizing variant allele frequency, disease prevalence and penetrance estimates, and inheritance mode, an automated score was calculated to assess if this variant is too frequent to cause the disease. Based on the score and internal cut-off values, a variant classified as benign is not then subjected to further curation. The score for this variant resulted in a classification of benign for this disease.

Illumina Laboratory Services, Illumina
Classification: Benign for Malignant hyperthermia, susceptibility to, 1. Last evaluated: 2018-01-12. Review status: criteria provided, single submitter. Criteria: ICSL Variant Classification Criteria 13 December 2019. Collection method: clinical testing. Allele origin: germline.
Comment: the same text as in the submission from Illumina Laboratory Services, Illumina above.

Illumina Laboratory Services, Illumina
Classification: Benign for Central core myopathy. Last evaluated: 2018-01-12. Review status: criteria provided, single submitter. Criteria: ICSL Variant Classification Criteria 13 December 2019. Collection method: clinical testing. Allele origin: germline.
Comment: the same text as in the submission from Illumina Laboratory Services, Illumina above.

GeneDx
Classification: Benign. Last evaluated: 2016-05-23. Review status: criteria provided, single submitter. Criteria: GeneDx Variant Classification (06012015). Collection method: clinical testing. Allele origin: germline. Affected: yes.
Comment: This variant is considered likely benign or benign based on one or more of the following criteria: it is a conservative change, it occurs at a poorly conserved position in the protein, it is predicted to be benign by multiple in silico algorithms, and/or has population frequency not consistent with disease.

Genetic Services Laboratory, University of Chicago
Classification: Benign. Last evaluated: 2013-02-08. Review status: criteria provided, single submitter. Criteria: ACMG Guidelines, 2007. Collection method: clinical testing. Allele origin: germline. Inheritance: Autosomal unknown.

Breakthrough Genomics
Classification: Likely benign. Review status: criteria provided, single submitter. Criteria: ACMG Guidelines, 2015. Collection method: not provided. Allele origin: germline. Inheritance: Autosomal recessive inheritance. Affected: yes.

NM_000540.3(RYR1):c.1577-6C>G

Gene: RYR1 (ryanodine receptor 1; plus strand). Cytogenetic location: 19q13.2.
Variant type: single nucleotide variant.
Coding change: c.1577-6C>G on transcript NM_000540.3 (MANE Select); 6 bases into the intron before coding-DNA position 1577, C replaced by G.
Molecular consequence: intron variant.
Genome position (GRCh38, 1-based): chr19:38,455,445, C>G. VCF-style: chr19-38455445-C-G. GRCh37 (hg19) VCF-style: chr19-38946085-C-G.
Other names: p.?; c.1577-6C>G (NM_001042723.2).
Identifiers: ClinVar variation 159838 (VCV000159838.29), dbSNP rs61586345, ClinGen allele CA024289.
Genomic context (GRCh38, chr19:38,455,445, plus strand): 5'-CCTGACTCCCCTGAGAACACCCCAGATCCCCAGTCCTATTGGATCTGACACCTCTTCCCC[C>G]CTCAGCTTCTCTAATCCGTGGCAATCGTAGCAACTGTGCCCTCTTCTCCACAAACTTGGA-3'